The following is an entry in ClinVar:

NM_000426.4(LAMA2):c.9223C>T (p.Gln3075Ter)

Gene: LAMA2 (laminin subunit alpha 2; plus strand). Cytogenetic location: 6q22.33.
Variant type: single nucleotide variant.
Coding change: c.9223C>T on transcript NM_000426.4 (MANE Select); coding-DNA position 9223, C replaced by T.
Protein change: p.Gln3075Ter; replaces glutamine 3075 with a stop codon.
Molecular consequence: nonsense.
Genome position (GRCh38, 1-based): chr6:129,516,201, C>T. VCF-style: chr6-129516201-C-T. GRCh37 (hg19) VCF-style: chr6-129837346-C-T.
Other names: c.9211C>T, p.Gln3071Ter (NM_001079823.2); short protein forms Q3071*, Q3075*.
Identifiers: ClinVar variation 1339228 (VCV001339228.8), dbSNP rs771012835, ClinGen allele CA365637206.

ClinVar aggregate classification (germline): Conflicting classifications of pathogenicity. Review status: criteria provided, conflicting classifications (1 of 4 stars). 2 submissions from 2 submitters: Pathogenic (1); Uncertain significance (1). Last evaluated 2022-10-13.

Conditions:
LAMA2-related muscular dystrophy (LAMA2-RD). Also called: Laminin alpha 2-related dystrophy. Identifiers: MedGen C5679788, MONDO:0100228.
Merosin deficient congenital muscular dystrophy (MDC1A). Also called: Congenital merosin-deficient muscular dystrophy 1A; Congenital Muscular Dystrophy Type 1A (MDC1A). Identifiers: Orphanet 258, MedGen C1263858, MONDO:0011925, OMIM 607855.

Submissions (2):

Labcorp Genetics (formerly Invitae), Labcorp
Classification: Pathogenic for LAMA2-related muscular dystrophy. Last evaluated: 2022-10-13. Review status: criteria provided, single submitter. Criteria: Invitae Variant Classification Sherloc (09022015). Collection method: clinical testing. Allele origin: germline.
Comment: For these reasons, this variant has been classified as Pathogenic. This variant disrupts a region of the LAMA2 protein in which other variant(s) (p.Thr3080Asnfs*26) have been determined to be pathogenic (PMID: 20207543). This suggests that this is a clinically significant region of the protein, and that variants that disrupt it are likely to be disease-causing. ClinVar contains an entry for this variant (Variation ID: 1339228). This variant has not been reported in the literature in individuals affected with LAMA2-related conditions. This variant is not present in population databases (gnomAD no frequency). This sequence change creates a premature translational stop signal (p.Gln3075*) in the LAMA2 gene. While this is not anticipated to result in nonsense mediated decay, it is expected to disrupt the last 48 amino acid(s) of the LAMA2 protein.

Neuberg Centre For Genomic Medicine, NCGM
Classification: Uncertain significance for Merosin deficient congenital muscular dystrophy. Review status: criteria provided, single submitter. Criteria: ACMG Guidelines, 2015. Collection method: clinical testing. Allele origin: germline. Affected: yes.
Comment: The stop gained p.Q3075* in LAMA2 (NM_000426.4) has not been reported previously as a pathogenic variant nor as a benign variant, to our knowledge. The p.Q3075* variant is novel (not in any individuals) in gnomAD Exomes and is novel (not in any individuals) in 1000 Genomes. Loss of function variants have been previously reported to be disease causing. This variant is in the last exon and hence functional studies or supportive evidence would be required to confirm protein truncation. For these reasons, this variant has been classified as Uncertain Significance.

Literature cited by the submitters: PubMed 20207543 (cited by Labcorp Genetics (formerly Invitae), Labcorp).